The following is an entry in ClinVar:

ClinVar aggregate classification (germline): Uncertain significance (1 of 4 stars; one submission).

gnomAD v4.1: 1 of 1,614,054 alleles (0.000062%); highest among the groups gnomAD compares: Non-Finnish European, 0.000085%; no homozygotes.

Submission:

Ambry Genetics
Classification: Uncertain significance. Last evaluated: 2024-10-05. Review status: criteria provided, single submitter. Criteria: Ambry Variant Classification Scheme 2023. Collection method: clinical testing. Allele origin: germline.
Comment: The p.S199P variant (also known as c.595T>C), located in coding exon 1 of the PALLD gene, results from a T to C substitution at nucleotide position 595. The serine at codon 199 is replaced by proline, an amino acid with similar properties. This amino acid position is conserved. In addition, the in silico prediction for this alteration is inconclusive. Based on the available evidence, the clinical significance of this variant remains unclear.

NM_001166108.2(PALLD):c.595T>C (p.Ser199Pro)

Gene: PALLD (palladin, cytoskeletal associated protein; plus strand). Cytogenetic location: 4q32.3.
Variant type: single nucleotide variant.
Coding change: c.595T>C on transcript NM_001166108.2 (MANE Select); coding-DNA position 595, T replaced by C.
Protein change: p.Ser199Pro; replaces serine 199 with proline.
Molecular consequence: missense variant.
Genome position (GRCh38, 1-based): chr4:168,512,099, T>C. VCF-style: chr4-168512099-T-C. GRCh37 (hg19) VCF-style: chr4-169433250-T-C.
Other names: c.595T>C, p.Ser199Pro (NM_016081.4); short protein forms S199P.
Identifiers: ClinVar variation 3413634 (VCV003413634.1).